The following is an entry in ClinVar:

NM_031924.8(RSPH3):c.1024G>A (p.Glu342Lys)

Gene: RSPH3 (radial spoke head 3; minus strand). Cytogenetic location: 6q25.3.
Variant type: single nucleotide variant.
Coding change: c.1024G>A on transcript NM_031924.8 (MANE Select); coding-DNA position 1024, G replaced by A.
Protein change: p.Glu342Lys; replaces glutamic acid 342 with lysine.
Molecular consequence: missense variant. On other transcripts: non-coding transcript variant (1).
Genome position (GRCh38, 1-based): chr6:158,977,771, C>T on the plus strand (G>A on the coding strand, the complement: RSPH3 is on the minus strand). VCF-style: chr6-158977771-C-T. GRCh37 (hg19) VCF-style: chr6-159398803-C-T.
Other names: p.Glu484Lys; c.1450G>A (NM_031924.6); c.1162G>A, p.Glu388Lys (NM_001346418.1); short protein forms E388K, E342K.
Identifiers: ClinVar variation 475824 (VCV000475824.17), dbSNP rs12204826, ClinGen allele CA4075733.

ClinVar aggregate classification (germline): Benign/Likely benign. Review status: criteria provided, multiple submitters, no conflicts (2 of 4 stars). 5 submissions from 5 submitters: Benign (3); Likely benign (2). Last evaluated 2026-02-01.

Conditions:
Primary ciliary dyskinesia 32. Also called: CILIARY DYSKINESIA, PRIMARY, 32, WITHOUT SITUS INVERSUS. Identifiers: Orphanet 244, MedGen C4225311, MONDO:0014657, OMIM 616481.

Allele frequency attached by ClinVar (database versions not stated): 1000 Genomes Project 0.01418; 1000 Genomes Project 30x 0.01530; ExAC 0.01670; gnomAD 0.01741 and 0.01824; TOPMed 0.01858; ESP Exome Variant Server 0.02007.
gnomAD v4.1: 34,486 of 1,614,090 alleles (2.1%); highest among the groups gnomAD compares: Middle Eastern, 2.5%; 421 homozygotes.

Submissions (5):

Labcorp Genetics (formerly Invitae), Labcorp
Classification: Benign for Primary ciliary dyskinesia 32. Last evaluated: 2026-02-01. Review status: criteria provided, single submitter. Criteria: Invitae Variant Classification Sherloc (09022015). Collection method: clinical testing. Allele origin: germline.

GeneDx
Classification: Likely benign. Last evaluated: 2025-05-15. Review status: criteria provided, single submitter. Criteria: GeneDx Variant Classification Process June 2021. Collection method: clinical testing. Allele origin: germline. Affected: yes.
Comment: See Variant Classification Assertion Criteria.

ARUP Laboratories, Molecular Genetics and Genomics, ARUP Laboratories
Classification: Benign for Primary ciliary dyskinesia 32. Last evaluated: 2023-11-09. Review status: criteria provided, single submitter. Criteria: ARUP Molecular Germline Variant Investigation Process 2024. Collection method: clinical testing. Allele origin: germline.

Mayo Clinic Laboratories, Mayo Clinic
Classification: Benign. Last evaluated: 2023-04-25. Review status: criteria provided, single submitter. Criteria: ACMG Guidelines, 2015. Collection method: clinical testing. Allele origin: germline. Observed: 9 variant alleles.
Comment: BS1, BP4_strong

Breakthrough Genomics
Classification: Likely benign. Review status: criteria provided, single submitter. Criteria: ACMG Guidelines, 2015. Collection method: not provided. Allele origin: germline. Inheritance: Autosomal recessive inheritance. Affected: yes.